The following is an entry in ClinVar:

ClinVar aggregate classification (germline): Likely benign (1 of 4 stars; one submission).

gnomAD v4.1: 7 of 1,532,004 alleles (0.00046%); highest among the groups gnomAD compares: Non-Finnish European, 0.00061%; no homozygotes.

Submission:

Mayo Clinic Laboratories, Mayo Clinic
Classification: Likely benign. Last evaluated: 2025-09-24. Review status: criteria provided, single submitter. Criteria: ACMG Guidelines, 2015. Collection method: clinical testing. Allele origin: germline. Observed: 1 variant allele.
Comment: BP4, BP7

NM_001010867.4(IBA57):c.198G>C (p.Ala66=)

Gene: IBA57 (iron-sulfur cluster assembly factor IBA57; plus strand). Cytogenetic location: 1q42.13.
Variant type: single nucleotide variant.
Coding change: c.198G>C on transcript NM_001010867.4 (MANE Select); coding-DNA position 198, G replaced by C.
Protein change: p.Ala66=; no amino-acid change (alanine 66 retained).
Molecular consequence: synonymous variant.
Genome position (GRCh38, 1-based): chr1:228,166,014, G>C. VCF-style: chr1-228166014-G-C. GRCh37 (hg19) VCF-style: chr1-228353715-G-C.
Other names: p.Ala66=.
Identifiers: ClinVar variation 4684234 (VCV004684234.1).